The following is an entry in ClinVar:

ClinVar aggregate classification (germline): Pathogenic (1 of 4 stars; one submission).

Conditions:
Fanconi anemia (FA). Also called: Fanconi's anemia. Identifiers: Orphanet 84, MedGen C0015625, MeSH D005199, MONDO:0019391.

Submission:

Labcorp Genetics (formerly Invitae), Labcorp
Classification: Pathogenic for Fanconi anemia. Last evaluated: 2023-02-24. Review status: criteria provided, single submitter. Criteria: Invitae Variant Classification Sherloc (09022015). Collection method: clinical testing. Allele origin: germline.
Comment: For these reasons, this variant has been classified as Pathogenic. This variant has not been reported in the literature in individuals affected with FANCA-related conditions. This sequence change creates a premature translational stop signal (p.Cys981Glufs*14) in the FANCA gene. It is expected to result in an absent or disrupted protein product. Loss-of-function variants in FANCA are known to be pathogenic (PMID: 19367192). This variant is not present in population databases (gnomAD no frequency).

Literature cited by the submitters: PubMed 19367192.

NM_000135.4(FANCA):c.2924_2940dup (p.Cys981fs)

Gene: FANCA (FA complementation group A; minus strand). Cytogenetic location: 16q24.3.
Variant type: Duplication.
Coding change: c.2924_2940dup on transcript NM_000135.4 (MANE Select); coding-DNA positions 2924 to 2940, 17 bases duplicated (GAGACCTGCAGGCTGCG).
Protein change: p.Cys981fs; shifts the reading frame from cysteine 981.
Molecular consequence: frameshift variant.
Genome position (GRCh38, 1-based): chr16:89,758,618-89,758,634, CGCAGCCTGCAGGTCTC duplicated on the plus strand (GAGACCTGCAGGCTGCG on the coding strand, the reverse complement: FANCA is on the minus strand); duplicating any 17 consecutive bases within chr16:89,758,618-89,758,636 gives the same sequence; the c. name uses the placement nearest the transcript's 3' end. VCF-style (leftmost placement, unchanged base first): chr16-89758617-A-ACGCAGCCTGCAGGTCTC. GRCh37 (hg19) VCF-style: chr16-89825025-A-ACGCAGCCTGCAGGTCTC.
Other names: c.2924_2940dup, p.Cys981fs (NM_001286167.3); short protein forms C981fs.
Identifiers: ClinVar variation 2840359 (VCV002840359.3), dbSNP rs2544156690, ClinGen allele CA2739266995.